The following is an entry in ClinVar:

NM_003036.4(SKI):c.1469A>G (p.Glu490Gly)

Gene: SKI (SKI proto-oncogene; plus strand). Cytogenetic location: 1p36.32.
Variant type: single nucleotide variant.
Coding change: c.1469A>G on transcript NM_003036.4 (MANE Select); coding-DNA position 1469, A replaced by G.
Protein change: p.Glu490Gly; replaces glutamic acid 490 with glycine.
Molecular consequence: missense variant.
Genome position (GRCh38, 1-based): chr1:2,304,097, A>G. VCF-style: chr1-2304097-A-G. GRCh37 (hg19) VCF-style: chr1-2235536-A-G.
Other names: short protein forms E490G.
Identifiers: ClinVar variation 2831328 (VCV002831328.3), dbSNP rs2521488532, ClinGen allele CA337956877.

ClinVar aggregate classification (germline): Uncertain significance (1 of 4 stars; one submission).

Conditions:
Shprintzen-Goldberg syndrome (SGS). Also called: SHPRINTZEN-GOLDBERG CRANIOSYNOSTOSIS SYNDROME; CRANIOSYNOSTOSIS WITH ARACHNODACTYLY AND ABDOMINAL HERNIAS; Marfanoid disorder with craniosynostosis type 1; Marfanoid craniosynostosis syndrome; Shprintzen-Goldberg marfanoid syndrome. Identifiers: Orphanet 2462, MedGen C1321551, MONDO:0008426, OMIM 182212.

Submission:

Labcorp Genetics (formerly Invitae), Labcorp
Classification: Uncertain significance for Shprintzen-Goldberg syndrome. Last evaluated: 2023-03-22. Review status: criteria provided, single submitter. Criteria: Invitae Variant Classification Sherloc (09022015). Collection method: clinical testing. Allele origin: germline.
Comment: In summary, the available evidence is currently insufficient to determine the role of this variant in disease. Therefore, it has been classified as a Variant of Uncertain Significance. This sequence change replaces glutamic acid, which is acidic and polar, with glycine, which is neutral and non-polar, at codon 490 of the SKI protein (p.Glu490Gly). This variant is not present in population databases (gnomAD no frequency). This variant has not been reported in the literature in individuals affected with SKI-related conditions. Advanced modeling of protein sequence and biophysical properties (such as structural, functional, and spatial information, amino acid conservation, physicochemical variation, residue mobility, and thermodynamic stability) has been performed at Invitae for this missense variant, however the output from this modeling did not meet the statistical confidence thresholds required to predict the impact of this variant on SKI protein function.